The following is an entry in ClinVar:

NM_007074.4(CORO1A):c.1141G>A (p.Gly381Arg)

Gene: CORO1A (coronin 1A; plus strand). Cytogenetic location: 16p11.2.
Variant type: single nucleotide variant.
Coding change: c.1141G>A on transcript NM_007074.4 (MANE Select); coding-DNA position 1141, G replaced by A.
Protein change: p.Gly381Arg; replaces glycine 381 with arginine.
Molecular consequence: missense variant.
Genome position (GRCh38, 1-based): chr16:30,188,436, G>A. VCF-style: chr16-30188436-G-A. GRCh37 (hg19) VCF-style: chr16-30199757-G-A.
Other names: c.1141G>A, p.Gly381Arg (NM_001193333.3); short protein forms G381R.
Identifiers: ClinVar variation 834971 (VCV000834971.10), dbSNP rs775671937, ClinGen allele CA8003407.

ClinVar aggregate classification (germline): Uncertain significance (1 of 4 stars; one submission).

Conditions:
Severe combined immunodeficiency due to CORO1A deficiency. Also called: Immunodeficiency 8; IMMUNODEFICIENCY 8 WITH LYMPHOPROLIFERATION. Identifiers: Orphanet 228003, MedGen C3809383, MONDO:0014168, OMIM 615401.

Allele frequency attached by ClinVar (database versions not stated): gnomAD exomes below 0.00001 and 0.00001; ExAC 0.00001; TOPMed 0.00001; gnomAD 0.00002.
gnomAD v4.1: 12 of 1,613,432 alleles (0.00074%); highest among the groups gnomAD compares: Non-Finnish European, 0.00093%; no homozygotes.

Submission:

Labcorp Genetics (formerly Invitae), Labcorp
Classification: Uncertain significance for Severe combined immunodeficiency due to CORO1A deficiency. Last evaluated: 2025-11-03. Review status: criteria provided, single submitter. Criteria: Invitae Variant Classification Sherloc (09022015). Collection method: clinical testing. Allele origin: germline.
Comment: This sequence change replaces glycine, which is neutral and non-polar, with arginine, which is basic and polar, at codon 381 of the CORO1A protein (p.Gly381Arg). This variant is present in population databases (rs775671937, gnomAD 0.002%). This variant has not been reported in the literature in individuals affected with CORO1A-related conditions. ClinVar contains an entry for this variant (Variation ID: 834971). Invitae Evidence Modeling of protein sequence and biophysical properties (such as structural, functional, and spatial information, amino acid conservation, physicochemical variation, residue mobility, and thermodynamic stability) indicates that this missense variant is not expected to disrupt CORO1A protein function with a negative predictive value of 80%. In summary, the available evidence is currently insufficient to determine the role of this variant in disease. Therefore, it has been classified as a Variant of Uncertain Significance.